The following is an entry in ClinVar:

ClinVar aggregate classification (germline): Uncertain significance (1 of 4 stars; one submission).

Conditions:
EP300-related disorder. Also called: EP300-related condition; EP300-related disorders.

Submission:

PreventionGenetics, part of Exact Sciences
Classification: Uncertain significance for EP300-related condition. Last evaluated: 2026-07-09. Review status: criteria provided, single submitter. Criteria: ACMG Guidelines, 2015. Collection method: clinical testing. Allele origin: germline.
Comment: The EP300 c.557T>C variant is predicted to result in the amino acid substitution p.Ile186Thr. To our knowledge, this variant has not been reported in the literature or in a large population database (gnomAD), indicating this variant is rare. At this time, the clinical significance of this variant is uncertain due to the absence of conclusive functional and genetic evidence.

NM_001429.4(EP300):c.557T>C (p.Ile186Thr)

Gene: EP300 (EP300 lysine acetyltransferase; plus strand). Cytogenetic location: 22q13.2.
Variant type: single nucleotide variant.
Coding change: c.557T>C on transcript NM_001429.4 (MANE Select); coding-DNA position 557, T replaced by C.
Protein change: p.Ile186Thr; replaces isoleucine 186 with threonine.
Molecular consequence: missense variant.
Genome position (GRCh38, 1-based): chr22:41,117,649, T>C. VCF-style: chr22-41117649-T-C. GRCh37 (hg19) VCF-style: chr22-41513653-T-C.
Other names: c.557T>C, p.Ile186Thr (NM_001362843.2); short protein forms I186T.
Identifiers: ClinVar variation 4991457 (VCV004991457.1).